The following is an entry in ClinVar:

ClinVar aggregate classification (germline): Benign (1 of 4 stars; one submission).

Conditions:
POLD1-related polyposis and colorectal cancer syndrome (CRCS10). Also called: Colorectal cancer 10; COLORECTAL CANCER, SUSCEPTIBILITY TO, ON CHROMOSOME 19q; Colorectal cancer, susceptibility to, 10. Identifiers: Orphanet 220460, MedGen C2675481, MONDO:0012953, OMIM 612591.

gnomAD v4.1: 2 of 1,611,668 alleles (0.00012%); highest among the groups gnomAD compares: Non-Finnish European, 0.00017%; no homozygotes.

Submission:

Myriad Genetics, Inc.
Classification: Benign for POLD1-related polyposis and colorectal cancer syndrome. Last evaluated: 2025-02-07. Review status: criteria provided, single submitter. Criteria: Myriad Autosomal Dominant, Autosomal Recessive and X-Linked Classification Criteria (2023). Collection method: clinical testing. Allele origin: unknown.
Comment: This variant is considered benign. This variant is a silent/synonymous amino acid change and it is not expected to impact splicing.

NM_002691.4(POLD1):c.1656G>A (p.Gln552=)

Gene: POLD1 (DNA polymerase delta 1, catalytic subunit; plus strand). Cytogenetic location: 19q13.33.
Variant type: single nucleotide variant.
Coding change: c.1656G>A on transcript NM_002691.4 (MANE Select); coding-DNA position 1656, G replaced by A.
Protein change: p.Gln552=; no amino-acid change (glutamine 552 retained).
Molecular consequence: synonymous variant. On other transcripts: non-coding transcript variant (1).
Genome position (GRCh38, 1-based): chr19:50,407,144, G>A. VCF-style: chr19-50407144-G-A. GRCh37 (hg19) VCF-style: chr19-50910401-G-A.
Other names: c.1656G>A, p.Gln552= (NM_001256849.1, NM_001308632.1).
Identifiers: ClinVar variation 3904237 (VCV003904237.1).